The following is an entry in ClinVar:

NM_001004334.4(GPR179):c.3251T>C (p.Met1084Thr)

Gene: GPR179 (G protein-coupled receptor 179; minus strand). Cytogenetic location: 17q12.
Variant type: single nucleotide variant.
Coding change: c.3251T>C on transcript NM_001004334.4 (MANE Select); coding-DNA position 3251, T replaced by C.
Protein change: p.Met1084Thr; replaces methionine 1084 with threonine.
Molecular consequence: missense variant.
Genome position (GRCh38, 1-based): chr17:38,330,318, A>G on the plus strand (T>C on the coding strand, the complement: GPR179 is on the minus strand). VCF-style: chr17-38330318-A-G. GRCh37 (hg19) VCF-style: chr17-36486201-A-G.
Other names: c.3251T>C (NM_001004334.2); short protein forms M1084T.
Identifiers: ClinVar variation 1509768 (VCV001509768.5), dbSNP rs377666136, ClinGen allele CA290105287.
Genomic context (GRCh38, chr17:38,330,318, plus strand): 5'-TTCTCTCTGTAGGTGCTCCGAGAACGGGTCAGAGCTTTAATCGCCAGCCCCAGGCTGCGC[A>G]TGGAACCCTGCTGAACAGGGGCCTTGAGGCTGTGGGATTTAGGGAAGATCTTGGGCCTGT-3'
Protein context (NP_001004334.3, residues 1074-1094): SLKAPVQQGS[Met1084Thr]RSLGLAIKAL

ClinVar aggregate classification (germline): Uncertain significance. Review status: criteria provided, multiple submitters, no conflicts (2 of 4 stars). 2 submissions from 2 submitters: Uncertain significance (2). Last evaluated 2025-04-11.

Conditions:
Inborn genetic diseases. Identifiers: MedGen C0950123, MeSH D030342.

Allele frequency attached by ClinVar (database versions not stated): ExAC 0.00002; TOPMed 0.00006; ESP Exome Variant Server 0.00008; gnomAD 0.00011 and 0.00009; gnomAD exomes 0.00002.

Submissions (2):

Ambry Genetics
Classification: Uncertain significance for Inborn genetic diseases. Last evaluated: 2025-04-11. Review status: criteria provided, single submitter. Criteria: Ambry Variant Classification Scheme 2023. Collection method: clinical testing. Allele origin: germline.

Labcorp Genetics (formerly Invitae), Labcorp
Classification: Uncertain significance. Last evaluated: 2023-12-22. Review status: criteria provided, single submitter. Criteria: Invitae Variant Classification Sherloc (09022015). Collection method: clinical testing. Allele origin: germline.
Comment: This sequence change replaces methionine, which is neutral and non-polar, with threonine, which is neutral and polar, at codon 1084 of the GPR179 protein (p.Met1084Thr). This variant is present in population databases (rs377666136, gnomAD 0.04%). This variant has not been reported in the literature in individuals affected with GPR179-related conditions. ClinVar contains an entry for this variant (Variation ID: 1509768). Algorithms developed to predict the effect of missense changes on protein structure and function output the following: SIFT: "Not Available"; PolyPhen-2: "Benign"; Align-GVGD: "Not Available". The threonine amino acid residue is found in multiple mammalian species, which suggests that this missense change does not adversely affect protein function. In summary, the available evidence is currently insufficient to determine the role of this variant in disease. Therefore, it has been classified as a Variant of Uncertain Significance.